The following is an entry in ClinVar:

ClinVar aggregate classification (germline): Uncertain significance. Review status: criteria provided, multiple submitters, no conflicts (2 of 4 stars). 2 submissions from 2 submitters: Uncertain significance (2). Last evaluated 2025-08-21.

Conditions:
Autoimmune lymphoproliferative syndrome type 2A (ALPS2A). Also called: CASP10-Related Autoimmune Lymphoproliferative Syndrome; AUTOIMMUNE LYMPHOPROLIFERATIVE SYNDROME, TYPE IIA; Autoimmune lymphoproliferative syndrome type 2. Identifiers: Orphanet 3261, MedGen C1858968, MONDO:0011383, OMIM 603909.

Allele frequency attached by ClinVar (database versions not stated): ExAC 0.00001; gnomAD 0.00001; TOPMed 0.00001.
gnomAD v4.1: 3 of 1,613,490 alleles (0.00019%); highest among the groups gnomAD compares: Admixed American, 0.0033%; no homozygotes.

Submissions (2):

Ambry Genetics
Classification: Uncertain significance. Last evaluated: 2025-08-21. Review status: criteria provided, single submitter. Criteria: Ambry Variant Classification Scheme 2023. Collection method: clinical testing. Allele origin: germline.

Labcorp Genetics (formerly Invitae), Labcorp
Classification: Uncertain significance for Autoimmune lymphoproliferative syndrome type 2A. Last evaluated: 2024-02-16. Review status: criteria provided, single submitter. Criteria: Invitae Variant Classification Sherloc (09022015). Collection method: clinical testing. Allele origin: germline.
Comment: This sequence change replaces glycine, which is neutral and non-polar, with serine, which is neutral and polar, at codon 160 of the CASP10 protein (p.Gly160Ser). This variant is present in population databases (rs781000749, gnomAD 0.003%). This variant has not been reported in the literature in individuals affected with CASP10-related conditions. ClinVar contains an entry for this variant (Variation ID: 467715). Advanced modeling of protein sequence and biophysical properties (such as structural, functional, and spatial information, amino acid conservation, physicochemical variation, residue mobility, and thermodynamic stability) performed at Invitae indicates that this missense variant is not expected to disrupt CASP10 protein function with a negative predictive value of 80%. In summary, the available evidence is currently insufficient to determine the role of this variant in disease. Therefore, it has been classified as a Variant of Uncertain Significance.

NM_032977.4(CASP10):c.478G>A (p.Gly160Ser)

Gene: CASP10 (caspase 10; plus strand). Cytogenetic location: 2q33.1.
Variant type: single nucleotide variant.
Coding change: c.478G>A on transcript NM_032977.4 (MANE Select); coding-DNA position 478, G replaced by A.
Protein change: p.Gly160Ser; replaces glycine 160 with serine.
Molecular consequence: missense variant.
Genome position (GRCh38, 1-based): chr2:201,193,020, G>A. VCF-style: chr2-201193020-G-A. GRCh37 (hg19) VCF-style: chr2-202057743-G-A.
Other names: c.478G>A, p.Gly160Ser (NM_001206524.2, NM_001206542.2, NM_001230.5 and 3 more transcripts); short protein forms G160S.
Identifiers: ClinVar variation 467715 (VCV000467715.12), dbSNP rs781000749, ClinGen allele CA2052885.